The following is an entry in ClinVar:

NM_001110219.3(GJB6):c.511A>T (p.Ile171Phe)

Gene: GJB6 (gap junction protein beta 6; minus strand). Cytogenetic location: 13q12.11.
Variant type: single nucleotide variant.
Coding change: c.511A>T on transcript NM_001110219.3 (MANE Select); coding-DNA position 511, A replaced by T.
Protein change: p.Ile171Phe; replaces isoleucine 171 with phenylalanine.
Molecular consequence: missense variant.
Genome position (GRCh38, 1-based): chr13:20,222,970, T>A on the plus strand (A>T on the coding strand, the complement: GJB6 is on the minus strand). VCF-style: chr13-20222970-T-A. GRCh37 (hg19) VCF-style: chr13-20797109-T-A.
Other names: c.511A>T, p.Ile171Phe (NM_001110220.3, NM_001110221.3, NM_001370090.1 and 3 more transcripts); short protein forms I171F.
Identifiers: ClinVar variation 3762275 (VCV003762275.2).

ClinVar aggregate classification (germline): Uncertain significance (1 of 4 stars; one submission).

Conditions:
Autosomal dominant nonsyndromic hearing loss 3B. Identifiers: Orphanet 90635, MedGen C2675237, MONDO:0012975, OMIM 612643.
Autosomal recessive nonsyndromic hearing loss 1B. Also called: DEAFNESS, AUTOSOMAL RECESSIVE 1B. Identifiers: Orphanet 90636, MedGen C2675235, MONDO:0012977, OMIM 612645.
Autosomal recessive nonsyndromic hearing loss 1A (DFNB1A). Also called: GJB2-Related Autosomal Recessive Nonsyndromic Hearing Loss; Deafness, autosomal recessive 1A; GJB6-Related DFNB 1 Nonsyndromic Hearing Loss and Deafness; Nonsyndromic Hearing Loss and Deafness, DFNB1; Connexin 26 deafness; Deafness nonsyndromic, Connexin 26 linked. Identifiers: Orphanet 90636, MedGen C2673759, MONDO:0009076, OMIM 220290.
Hidrotic ectodermal dysplasia syndrome (GJB6). Also called: Ectodermal dysplasia 2, hidrotic; Autosomal dominant hidrotic ectodermal dysplasia; Clouston syndrome; Clouston's hidrotic ectodermal dysplasia; CLOUSTON HIDROTIC ECTODERMAL DYSPLASIA; ECTODERMAL DYSPLASIA 2, CLOUSTON TYPE. Identifiers: Orphanet 189, MedGen C0162361, MONDO:0007510, OMIM 129500.

gnomAD v4.1: 4 of 1,614,078 alleles (0.00025%); highest among the groups gnomAD compares: Admixed American, 0.0033%; no homozygotes.

Submission:

Labcorp Genetics (formerly Invitae), Labcorp
Classification: Uncertain significance for Autosomal dominant nonsyndromic hearing loss 3B; Hidrotic ectodermal dysplasia syndrome; Autosomal recessive nonsyndromic hearing loss 1B; Autosomal recessive nonsyndromic hearing loss 1A. Last evaluated: 2024-10-24. Review status: criteria provided, single submitter. Criteria: Invitae Variant Classification Sherloc (09022015). Collection method: clinical testing. Allele origin: germline.
Comment: This sequence change replaces isoleucine, which is neutral and non-polar, with phenylalanine, which is neutral and non-polar, at codon 171 of the GJB6 protein (p.Ile171Phe). This variant is present in population databases (no rsID available, gnomAD 0.008%). This variant has not been reported in the literature in individuals affected with GJB6-related conditions. Invitae Evidence Modeling of protein sequence and biophysical properties (such as structural, functional, and spatial information, amino acid conservation, physicochemical variation, residue mobility, and thermodynamic stability) indicates that this missense variant is not expected to disrupt GJB6 protein function with a negative predictive value of 80%. In summary, the available evidence is currently insufficient to determine the role of this variant in disease. Therefore, it has been classified as a Variant of Uncertain Significance.